The following is an entry in ClinVar:

ClinVar aggregate classification (germline): Uncertain significance. Review status: criteria provided, multiple submitters, no conflicts (2 of 4 stars). 3 submissions from 3 submitters: Uncertain significance (3). Last evaluated 2025-10-05.

Allele frequency attached by ClinVar (database versions not stated): gnomAD exomes below 0.00001.
gnomAD v4.1: 1 of 1,539,946 alleles (0.000065%); highest among the groups gnomAD compares: Non-Finnish European, 0.000087%; no homozygotes.

Submissions (3):

Labcorp Genetics (formerly Invitae), Labcorp
Classification: Uncertain significance. Last evaluated: 2025-10-05. Review status: criteria provided, single submitter. Criteria: Invitae Variant Classification Sherloc (09022015). Collection method: clinical testing. Allele origin: germline.
Comment: This sequence change replaces tryptophan, which is neutral and slightly polar, with cysteine, which is neutral and slightly polar, at codon 42 of the LOX protein (p.Trp42Cys). The frequency data for this variant in the population databases is considered unreliable, as metrics indicate poor data quality at this position in the gnomAD database. This variant has not been reported in the literature in individuals affected with LOX-related conditions. ClinVar contains an entry for this variant (Variation ID: 2682901). Invitae Evidence Modeling of protein sequence and biophysical properties (such as structural, functional, and spatial information, amino acid conservation, physicochemical variation, residue mobility, and thermodynamic stability) has been performed for this missense variant. However, the output from this modeling did not meet the statistical confidence thresholds required to predict the impact of this variant on LOX protein function. In summary, the available evidence is currently insufficient to determine the role of this variant in disease. Therefore, it has been classified as a Variant of Uncertain Significance.

GeneDx
Classification: Uncertain significance. Last evaluated: 2024-03-29. Review status: criteria provided, single submitter. Criteria: GeneDx Variant Classification Process June 2021. Collection method: clinical testing. Allele origin: germline. Affected: yes.
Comment: Has not been previously published as pathogenic or benign to our knowledge; Not observed at significant frequency in large population cohorts (gnomAD); In silico analysis supports that this missense variant has a deleterious effect on protein structure/function

Mayo Clinic Laboratories, Mayo Clinic
Classification: Uncertain significance. Last evaluated: 2023-06-06. Review status: criteria provided, single submitter. Criteria: ACMG Guidelines, 2015. Collection method: clinical testing. Allele origin: germline. Observed: 1 variant allele.
Comment: BP4

NM_002317.7(LOX):c.126G>C (p.Trp42Cys)

Genes: LOX (lysyl oxidase; minus strand), SRFBP1 (serum response factor binding protein 1; plus strand). Cytogenetic location: 5q23.1.
Variant type: single nucleotide variant.
Coding change: c.126G>C on transcript NM_002317.7 (MANE Select); coding-DNA position 126, G replaced by C.
Protein change: p.Trp42Cys; replaces tryptophan 42 with cysteine.
Molecular consequence: missense variant.
Genome position (GRCh38, 1-based): chr5:122,077,860, C>G on the plus strand (G>C on the coding strand, the complement: LOX is on the minus strand). VCF-style: chr5-122077860-C-G. GRCh37 (hg19) VCF-style: chr5-121413555-C-G.
Other names: p.Trp42Cys; c.126G>C (NM_002317.6); short protein forms W42C.
Identifiers: ClinVar variation 2682901 (VCV002682901.3), dbSNP rs1203264499, ClinGen allele CA360878212.